The following is an entry in ClinVar:

ClinVar aggregate classification (germline): Uncertain significance (1 of 4 stars; one submission).

Conditions:
RASopathy. Also called: rasopathies; Noonan spectrum disorder. Identifiers: Orphanet 536391, MedGen C5555857, MONDO:0021060.

Submission:

Labcorp Genetics (formerly Invitae), Labcorp
Classification: Uncertain significance for RASopathy. Last evaluated: 2024-05-15. Review status: criteria provided, single submitter. Criteria: Invitae Variant Classification Sherloc (09022015). Collection method: clinical testing. Allele origin: germline.
Comment: This sequence change replaces glycine, which is neutral and non-polar, with valine, which is neutral and non-polar, at codon 77 of the KRAS protein (p.Gly77Val). This variant is not present in population databases (gnomAD no frequency). This variant has not been reported in the literature in individuals affected with KRAS-related conditions. ClinVar contains an entry for this variant (Variation ID: 1714092). Advanced modeling of protein sequence and biophysical properties (such as structural, functional, and spatial information, amino acid conservation, physicochemical variation, residue mobility, and thermodynamic stability) performed at Invitae indicates that this missense variant is expected to disrupt KRAS protein function with a positive predictive value of 95%. In summary, the available evidence is currently insufficient to determine the role of this variant in disease. Therefore, it has been classified as a Variant of Uncertain Significance.

NM_004985.5(KRAS):c.230G>T (p.Gly77Val)

Gene: KRAS (KRAS proto-oncogene, GTPase; minus strand). Cytogenetic location: 12p12.1.
Variant type: single nucleotide variant.
Coding change: c.230G>T on transcript NM_004985.5 (MANE Select); coding-DNA position 230, G replaced by T.
Protein change: p.Gly77Val; replaces glycine 77 with valine.
Molecular consequence: missense variant.
Genome position (GRCh38, 1-based): chr12:25,227,294, C>A on the plus strand (G>T on the coding strand, the complement: KRAS is on the minus strand). VCF-style: chr12-25227294-C-A. GRCh37 (hg19) VCF-style: chr12-25380228-C-A.
Other names: c.230G>T, p.Gly77Val (NM_001369786.1, NM_001369787.1, NM_033360.4); short protein forms G77V.
Identifiers: ClinVar variation 1714092 (VCV001714092.5), dbSNP rs756890312, ClinGen allele CA384151899.